The following is an entry in ClinVar:

ClinVar aggregate classification (germline): Uncertain significance. Review status: criteria provided, multiple submitters, no conflicts (2 of 4 stars). 3 submissions from 3 submitters: Uncertain significance (3). Last evaluated 2025-08-20.

Conditions:
Hereditary cancer-predisposing syndrome. Also called: Hereditary Cancer Syndrome; Hereditary neoplastic syndrome; Neoplastic Syndromes, Hereditary; Tumor predisposition. Identifiers: Orphanet 140162, MedGen C0027672, MeSH D009386, MONDO:0015356.
Facial dysmorphism-immunodeficiency-livedo-short stature syndrome. Also called: Facial dysmorphism, immunodeficiency, livedo, and short stature; FILS syndrome. Identifiers: Orphanet 352712, MedGen C3554576, MONDO:0014058, OMIM 615139.
Colorectal cancer, susceptibility to, 12 (CRCS12). Also called: COLORECTAL CANCER, SUSCEPTIBILITY TO, ON CHROMOSOME 12q24. Identifiers: Orphanet 220460, MedGen C3554460, MONDO:0014038, OMIM 615083.
Intrauterine growth retardation, metaphyseal dysplasia, adrenal hypoplasia congenita, genital anomalies, and immunodeficiency. Also called: IMAGEI SYNDROME. Identifiers: MedGen C5193036, MONDO:0032684, OMIM 618336.

Allele frequency attached by ClinVar (database versions not stated): gnomAD exomes below 0.00001 and 0.00001; ExAC 0.00001; TOPMed 0.00002; gnomAD 0.00003.

Submissions (3):

Labcorp Genetics (formerly Invitae), Labcorp
Classification: Uncertain significance. Last evaluated: 2025-08-20. Review status: criteria provided, single submitter. Criteria: Invitae Variant Classification Sherloc (09022015). Collection method: clinical testing. Allele origin: germline.
Comment: This sequence change replaces asparagine, which is neutral and polar, with serine, which is neutral and polar, at codon 1369 of the POLE protein (p.Asn1369Ser). This variant is present in population databases (rs746524982, gnomAD 0.007%). This variant has not been reported in the literature in individuals affected with POLE-related conditions. ClinVar contains an entry for this variant (Variation ID: 405775). Invitae Evidence Modeling of protein sequence and biophysical properties (such as structural, functional, and spatial information, amino acid conservation, physicochemical variation, residue mobility, and thermodynamic stability) indicates that this missense variant is not expected to disrupt POLE protein function with a negative predictive value of 80%. In summary, the available evidence is currently insufficient to determine the role of this variant in disease. Therefore, it has been classified as a Variant of Uncertain Significance.

Ambry Genetics
Classification: Uncertain significance for Hereditary cancer-predisposing syndrome. Last evaluated: 2025-01-27. Review status: criteria provided, single submitter. Criteria: Ambry Variant Classification Scheme 2023. Collection method: clinical testing. Allele origin: germline.
Comment: The p.N1369S variant (also known as c.4106A>G), located in coding exon 32 of the POLE gene, results from an A to G substitution at nucleotide position 4106. The asparagine at codon 1369 is replaced by serine, an amino acid with highly similar properties. This amino acid position is highly conserved in available vertebrate species. In addition, this alteration is predicted to be tolerated by in silico analysis. Based on the available evidence, the clinical significance of this variant remains unclear.

Fulgent Genetics
Classification: Uncertain significance for Colorectal cancer, susceptibility to, 12; Facial dysmorphism-immunodeficiency-livedo-short stature syndrome; Intrauterine growth retardation, metaphyseal dysplasia, adrenal hypoplasia congenita, genital anomalies, and immunodeficiency. Last evaluated: 2024-03-18. Review status: criteria provided, single submitter. Criteria: ACMG Guidelines, 2015. Collection method: clinical testing. Allele origin: germline.

NM_006231.4(POLE):c.4106A>G (p.Asn1369Ser)

Gene: POLE (DNA polymerase epsilon, catalytic subunit; minus strand). Cytogenetic location: 12q24.33.
Variant type: single nucleotide variant.
Coding change: c.4106A>G on transcript NM_006231.4 (MANE Select); coding-DNA position 4106, A replaced by G.
Protein change: p.Asn1369Ser; replaces asparagine 1369 with serine.
Molecular consequence: missense variant.
Genome position (GRCh38, 1-based): chr12:132,648,972, T>C on the plus strand (A>G on the coding strand, the complement: POLE is on the minus strand). VCF-style: chr12-132648972-T-C. GRCh37 (hg19) VCF-style: chr12-133225558-T-C.
Other names: c.4106A>G (NM_006231.2); short protein forms N1369S.
Identifiers: ClinVar variation 405775 (VCV000405775.11), dbSNP rs746524982, ClinGen allele CA6892999.